The following is an entry in ClinVar:

NM_001999.4(FBN2):c.7346-94G>C

Gene: FBN2 (fibrillin 2; minus strand). Cytogenetic location: 5q23.3.
Variant type: single nucleotide variant.
Coding change: c.7346-94G>C on transcript NM_001999.4 (MANE Select); 94 bases into the intron before coding-DNA position 7346, G replaced by C.
Molecular consequence: intron variant.
Genome position (GRCh38, 1-based): chr5:128,278,099, C>G on the plus strand (G>C on the coding strand, the complement: FBN2 is on the minus strand). VCF-style: chr5-128278099-C-G. GRCh37 (hg19) VCF-style: chr5-127613791-C-G.
Identifiers: ClinVar variation 672325 (VCV000672325.1), dbSNP rs426987, ClinGen allele CA15389866.

ClinVar aggregate classification (germline): Benign (1 of 4 stars; one submission).

Allele frequency attached by ClinVar (database versions not stated): TOPMed 0.68046; gnomAD 0.69087 and 0.69706; gnomAD exomes 0.70768; 1000 Genomes Project 30x 0.71736; 1000 Genomes Project 0.72584.
gnomAD v4.1: 907,169 of 1,284,980 alleles (71%); highest among the groups gnomAD compares: East Asian, 87%; 322,114 homozygotes.

Submission:

GeneDx
Classification: Benign. Last evaluated: 2018-06-14. Review status: criteria provided, single submitter. Criteria: GeneDx Variant Classification (06012015). Collection method: clinical testing. Allele origin: germline. Affected: yes.
Comment: This variant is considered likely benign or benign based on one or more of the following criteria: it is a conservative change, it occurs at a poorly conserved position in the protein, it is predicted to be benign by multiple in silico algorithms, and/or has population frequency not consistent with disease.